The following is an entry in ClinVar:

NM_000159.4(GCDH):c.996dup (p.Gln333fs)

Gene: GCDH (glutaryl-CoA dehydrogenase; plus strand). Cytogenetic location: 19p13.13.
Variant type: Duplication.
Coding change: c.996dup on transcript NM_000159.4 (MANE Select); coding-DNA position 996, one base duplicated (T; older notation c.996dupT).
Protein change: p.Gln333fs; shifts the reading frame from glutamine 333.
Molecular consequence: frameshift variant. On other transcripts: non-coding transcript variant (2).
Genome position (GRCh38, 1-based): chr19:12,897,342, T duplicated; the last of 2 consecutive T bases (chr19:12,897,341-12,897,342); duplicating either gives the same sequence. VCF-style (leftmost placement, unchanged base first): chr19-12897340-A-AT. GRCh37 (hg19) VCF-style: chr19-13008154-A-AT.
Other names: c.996dup, p.Gln333fs (NM_013976.5); short protein forms Q333fs.
Identifiers: ClinVar variation 5004763 (VCV005004763.1).

ClinVar aggregate classification (germline): Pathogenic (1 of 4 stars; one submission).

Conditions:
Glutaric aciduria, type 1. Also called: Glutaric Acidemia Type 1; GA I; Glutaryl-CoA dehydrogenase deficiency; Glutaric acidemia type I; Glutaricacidemia Type 1; Glutaricaciduria, type I. Identifiers: Orphanet 25, MedGen C0268595, MONDO:0009281, OMIM 231670.

Submission:

Myriad Genetics, Inc.
Classification: Pathogenic for Glutaric aciduria, type 1. Last evaluated: 2026-06-29. Review status: criteria provided, single submitter. Criteria: Myriad Autosomal Dominant, Autosomal Recessive and X-Linked Classification Criteria (2023). Collection method: clinical testing. Allele origin: unknown.
Comment: NM_000159.2(GCDH):c.996dupT(Q333Sfs*10) is a frameshift variant classified as pathogenic in the context of glutaric acidemia, GCDH-related. Q333Sfs*10 has not been observed in cases with relevant disease. Relevant functional assessments of this variant are not available in the literature. Q333Sfs*10 has been observed in referenced population frequency databases. In summary, NM_000159.2(GCDH):c.996dupT(Q333Sfs*10) is a frameshift variant in a gene where loss of function is a known mechanism of disease and is predicted to disrupt protein function. Please note: this variant was assessed in the context of healthy population screening.